The following is an entry in ClinVar:

NM_020066.5(FMN2):c.2673G>A (p.Leu891=)

Gene: FMN2 (formin 2; plus strand). Cytogenetic location: 1q43.
Variant type: single nucleotide variant.
Coding change: c.2673G>A on transcript NM_020066.5 (MANE Select); coding-DNA position 2673, G replaced by A.
Protein change: p.Leu891=; no amino-acid change (leucine 891 retained).
Molecular consequence: synonymous variant. On other transcripts: intron variant (1).
Genome position (GRCh38, 1-based): chr1:240,207,485, G>A. VCF-style: chr1-240207485-G-A. GRCh37 (hg19) VCF-style: chr1-240370785-G-A.
Other names: c.2685G>A, p.Leu895= (NM_001305424.2); c.1986+19223G>A (NM_001348094.2).
Identifiers: ClinVar variation 2640131 (VCV002640131.24), dbSNP rs763905334, ClinGen allele CA1476687.

ClinVar aggregate classification (germline): Likely benign (1 of 4 stars; one submission).

Allele frequency attached by ClinVar (database versions not stated): ExAC 0.00002.
gnomAD v4.1: 3 of 1,611,340 alleles (0.00019%); highest among the groups gnomAD compares: Middle Eastern, 0.017%; no homozygotes.

Submission:

CeGaT Center for Human Genetics Tuebingen
Classification: Likely benign. Last evaluated: 2023-01-01. Review status: criteria provided, single submitter. Criteria: CeGaT Center For Human Genetics Tuebingen Variant Classification Criteria Version 2. Collection method: clinical testing. Allele origin: germline. Affected: yes. Observed: 1 variant allele.
Comment: FMN2: BP4, BP7